The following is an entry in ClinVar:

NM_005732.4(RAD50):c.1697T>G (p.Leu566Arg)

Gene: RAD50 (RAD50 double strand break repair protein; plus strand). Cytogenetic location: 5q31.1.
Variant type: single nucleotide variant.
Coding change: c.1697T>G on transcript NM_005732.4 (MANE Select); coding-DNA position 1697, T replaced by G.
Protein change: p.Leu566Arg; replaces leucine 566 with arginine.
Molecular consequence: missense variant.
Genome position (GRCh38, 1-based): chr5:132,591,938, T>G. VCF-style: chr5-132591938-T-G. GRCh37 (hg19) VCF-style: chr5-131927630-T-G.
Other names: short protein forms L566R.
Identifiers: ClinVar variation 2107166 (VCV002107166.4), dbSNP rs780521569, ClinGen allele CA360946453.

ClinVar aggregate classification (germline): Uncertain significance (1 of 4 stars; one submission).

Conditions:
Hereditary cancer-predisposing syndrome. Also called: Neoplastic Syndromes, Hereditary; Hereditary Cancer Syndrome; Hereditary neoplastic syndrome; Tumor predisposition. Identifiers: Orphanet 140162, MedGen C0027672, MeSH D009386, MONDO:0015356.

Submission:

Labcorp Genetics (formerly Invitae), Labcorp
Classification: Uncertain significance for Hereditary cancer-predisposing syndrome. Last evaluated: 2022-03-05. Review status: criteria provided, single submitter. Criteria: Invitae Variant Classification Sherloc (09022015). Collection method: clinical testing. Allele origin: germline.
Comment: Algorithms developed to predict the effect of missense changes on protein structure and function are either unavailable or do not agree on the potential impact of this missense change (SIFT: "Deleterious"; PolyPhen-2: "Probably Damaging"; Align-GVGD: "Class C0"). This sequence change replaces leucine, which is neutral and non-polar, with arginine, which is basic and polar, at codon 566 of the RAD50 protein (p.Leu566Arg). This variant is not present in population databases (gnomAD no frequency). This variant has not been reported in the literature in individuals affected with RAD50-related conditions. In summary, the available evidence is currently insufficient to determine the role of this variant in disease. Therefore, it has been classified as a Variant of Uncertain Significance.